The following is an entry in ClinVar:

ClinVar aggregate classification (germline): Likely benign (1 of 4 stars; one submission).

Allele frequency attached by ClinVar (database versions not stated): gnomAD 0.00054; 1000 Genomes Project 0.00379.
gnomAD v4.1: 81 of 147,968 alleles (0.055%); highest among the groups gnomAD compares: Middle Eastern, 0.74%; 15 homozygotes.

Submission:

CeGaT Center for Human Genetics Tuebingen
Classification: Likely benign. Last evaluated: 2023-04-01. Review status: criteria provided, single submitter. Criteria: CeGaT Center For Human Genetics Tuebingen Variant Classification Criteria Version 2. Collection method: clinical testing. Allele origin: germline. Affected: yes. Observed: 3 variant alleles.
Comment: CHMP1A: BS2

NM_002768.5(CHMP1A):c.252+923T>G

Gene: CHMP1A (charged multivesicular body protein 1A; minus strand). Cytogenetic location: 16q24.3.
Variant type: single nucleotide variant.
Coding change: c.252+923T>G on transcript NM_002768.5 (MANE Select); 923 bases into the intron after coding-DNA position 252, T replaced by G.
Molecular consequence: intron variant.
Genome position (GRCh38, 1-based): chr16:89,648,428, A>C on the plus strand (T>G on the coding strand, the complement: CHMP1A is on the minus strand). VCF-style: chr16-89648428-A-C. GRCh37 (hg19) VCF-style: chr16-89714836-A-C.
Other names: c.232+923T>G (NM_001083314.4).
Identifiers: ClinVar variation 2647124 (VCV002647124.24), dbSNP rs182928390, ClinGen allele CA286551717.